The following is an entry in ClinVar:

NM_001081.4(CUBN):c.2461T>G (p.Leu821Val)

Gene: CUBN (cubilin; minus strand). Cytogenetic location: 10p13.
Variant type: single nucleotide variant.
Coding change: c.2461T>G on transcript NM_001081.4 (MANE Select); coding-DNA position 2461, T replaced by G.
Protein change: p.Leu821Val; replaces leucine 821 with valine.
Molecular consequence: missense variant.
Genome position (GRCh38, 1-based): chr10:17,071,590, A>C on the plus strand (T>G on the coding strand, the complement: CUBN is on the minus strand). VCF-style: chr10-17071590-A-C. GRCh37 (hg19) VCF-style: chr10-17113589-A-C.
Other names: short protein forms L821V.
Identifiers: ClinVar variation 2715676 (VCV002715676.4), dbSNP rs777857742, ClinGen allele CA5424966.
Genomic context (GRCh38, chr10:17,071,590, plus strand): 5'-TTCTTTCTCCAGGATACACGTTAGGAAAAAAAGGCGAGCGAATGACCCCTTCTCCAGTTA[A>C]TTCATCCCCGCAAGCTGTAAGCATAAAAATTATAGTAGTGCTTGTCCAGATATTAATAAT-3'
Protein context (NP_001072.2, residues 811-831): AVYQVACGDE[Leu821Val]TGEGVIRSPF

ClinVar aggregate classification (germline): Uncertain significance. Review status: criteria provided, multiple submitters, no conflicts (2 of 4 stars). 2 submissions from 2 submitters: Uncertain significance (2). Last evaluated 2024-02-03.

Conditions:
Imerslund-Grasbeck syndrome type 1 (IGS1). Also called: Megaloblastic anemia 1, Finnish type; Imerslund-Gräsbeck syndrome 1; MEGALOBLASTIC ANEMIA, 1. Identifiers: MedGen C4016819, MONDO:0100156, OMIM 261100.
Proteinuria, chronic benign. Identifiers: MedGen C5394384, MONDO:0030042, OMIM 618884.
Imerslund-Grasbeck syndrome. Also called: ENTEROCYTE COBALAMIN MALABSORPTION; ENTEROCYTE INTRINSIC FACTOR RECEPTOR, DEFECT OF; PERNICIOUS ANEMIA, JUVENILE, DUE TO SELECTIVE INTESTINAL MALABSORPTION OF VITAMIN B12, WITH PROTEINURIA; Megaloblastic anemia due to inborn errors of metabolism; Imerslund-Gräsbeck syndrome. Identifiers: Orphanet 35858, MedGen C4551825, MONDO:0009853.

Allele frequency attached by ClinVar (database versions not stated): ExAC 0.00005; gnomAD 0.00005.
gnomAD v4.1: 66 of 1,613,566 alleles (0.0041%); highest among the groups gnomAD compares: Non-Finnish European, 0.0054%; no homozygotes.

Submissions (2):

Fulgent Genetics
Classification: Uncertain significance for Imerslund-Grasbeck syndrome type 1; Proteinuria, chronic benign. Last evaluated: 2024-02-03. Review status: criteria provided, single submitter. Criteria: ACMG Guidelines, 2015. Collection method: clinical testing. Allele origin: germline.

Labcorp Genetics (formerly Invitae), Labcorp
Classification: Uncertain significance for Imerslund-Grasbeck syndrome. Last evaluated: 2023-03-08. Review status: criteria provided, single submitter. Criteria: Invitae Variant Classification Sherloc (09022015). Collection method: clinical testing. Allele origin: germline.
Comment: This variant has not been reported in the literature in individuals affected with CUBN-related conditions. Advanced modeling of protein sequence and biophysical properties (such as structural, functional, and spatial information, amino acid conservation, physicochemical variation, residue mobility, and thermodynamic stability) performed at Invitae indicates that this missense variant is not expected to disrupt CUBN protein function. In summary, the available evidence is currently insufficient to determine the role of this variant in disease. Therefore, it has been classified as a Variant of Uncertain Significance. This sequence change replaces leucine, which is neutral and non-polar, with valine, which is neutral and non-polar, at codon 821 of the CUBN protein (p.Leu821Val). This variant is present in population databases (rs777857742, gnomAD 0.01%).